The following is an entry in ClinVar:

ClinVar aggregate classification (germline): Pathogenic. Review status: criteria provided, multiple submitters, no conflicts (2 of 4 stars). 5 submissions from 5 submitters: Pathogenic (5). Last evaluated 2025-12-09.

Conditions:
CYP21A2-related disorder. Also called: CYP21A2-related condition.
21-Hydroxylase-Deficient Congenital Adrenal Hyperplasia. Also called: ADRENAL HYPERPLASIA III; ADRENAL HYPERPLASIA, CONGENITAL, DUE TO 21-HYDROXYLASE DEFICIENCY. Identifiers: MedGen C2936858, OMIM 201910.

Allele frequency attached by ClinVar (database versions not stated): gnomAD exomes 0.00002; gnomAD 0.00005.

Submissions (5):

PreventionGenetics, part of Exact Sciences
Classification: Pathogenic for CYP21A2-related condition. Last evaluated: 2025-12-09. Review status: criteria provided, single submitter. Criteria: ACMG Guidelines, 2015. Collection method: clinical testing. Allele origin: germline.
Comment: The CYP21A2 c.1279C>T variant is predicted to result in the amino acid substitution p.Arg427Cys. Also known as R426C in the literature, this variant has been reported to be associated with salt-wasting (SW) congenital adrenal hyperplasia (CAH) likely due to disruption of heme and/or substrate binding rendering the protein nonfunctional (see for example, Grischuk et al. 2006. PubMed ID: 16984992; Elmougy et al. 2018. PubMed ID: 29266270; Table S1a, Gialluisi et al. 2018. PubMed ID: 28644547; Haider et al. 2013. PubMed ID: 23359706). This variant is reported in 0.031% of alleles in individuals of African descent in gnomAD. This variant falls within a highly paralogous region. Allele frequency data should be interpreted with caution. This variant is interpreted as pathogenic.

Athena Diagnostics
Classification: Pathogenic. Last evaluated: 2025-07-22. Review status: criteria provided, single submitter. Criteria: Athena Diagnostics Criteria. Collection method: clinical testing. Allele origin: unknown.
Comment: This variant is located in a genomic region of low or unreliable sequencing quality, and therefore estimations of its population frequency are uninformative in assessment of variant pathogenicity. In multiple individuals, this variant has been seen in trans with other recessive pathogenic variants in CYP21A2, suggesting this variant is also pathogenic. In some published literature, this variant is referred to as R426C. Assessment of experimental evidence suggests this variant results in abnormal protein function. (PMID: 16984992)

Quest Diagnostics Nichols Institute San Juan Capistrano
Classification: Pathogenic. Last evaluated: 2024-03-12. Review status: criteria provided, single submitter. Criteria: Quest Diagnostics criteria. Collection method: clinical testing. Allele origin: unknown.
Comment: The c.1279C>T (p.Arg427Cys) CYP21A2 pathogenic variant (also known as R426C) is associated with non-classic and classic CAH, either simple virilizing or salt wasting (PMIDs: 29266270 (2018), 25041270 (2015), 20926536 (2011), 21198393 (2011), and 18655532 (2008)). A functional study showed that this variant results in complete loss of CYP21A2 enzyme activity (PMID: 16984992 (2006)). Based on the available information, this variant is classified as pathogenic.

Labcorp Genetics (formerly Invitae), Labcorp
Classification: Pathogenic. Last evaluated: 2022-09-28. Review status: criteria provided, single submitter. Criteria: Invitae Variant Classification Sherloc (09022015). Collection method: clinical testing. Allele origin: germline.
Comment: This sequence change replaces arginine, which is basic and polar, with cysteine, which is neutral and slightly polar, at codon 427 of the CYP21A2 protein (p.Arg427Cys). The frequency data for this variant in the population databases (gnomAD) is considered unreliable due to the presence of homologous sequence, such as pseudogenes or paralogs, in the genome. This missense change has been observed in individual(s) with classic salt-wasting or simple virilizing congenital adrenal hyperplasia due to 21-hydroxylase deficiency (PMID: 16984992, 20926536, 21198393, 28644547, 29266270). This variant is also known as p.R426C. ClinVar contains an entry for this variant (Variation ID: 585748). Advanced modeling of protein sequence and biophysical properties (such as structural, functional, and spatial information, amino acid conservation, physicochemical variation, residue mobility, and thermodynamic stability) performed at Invitae indicates that this missense variant is expected to disrupt CYP21A2 protein function. Experimental studies have shown that this missense change affects CYP21A2 function (PMID: 16984992). This variant disrupts the p.Arg427 amino acid residue in CYP21A2. Other variant(s) that disrupt this residue have been determined to be pathogenic (PMID: 11600539, 30995443). This suggests that this residue is clinically significant, and that variants that disrupt this residue are likely to be disease-causing. For these reasons, this variant has been classified as Pathogenic.

Newborn Screening Ontario, Children's Hospital of Eastern Ontario (CHEO)
Classification: Pathogenic for 21-Hydroxylase-Deficient Congenital Adrenal Hyperplasia. Last evaluated: 2022-06-01. Review status: criteria provided, single submitter. Criteria: ACMG Guidelines, 2015. Collection method: clinical testing. Allele origin: germline. Inheritance: Autosomal recessive inheritance.

Literature cited by the submitters: PubMed 16984992 (cited by 3 submitters); PubMed 20926536 (cited by 3 submitters); PubMed 26278268 (cited by Athena Diagnostics and Quest Diagnostics Nichols Institute San Juan Capistrano); PubMed 25041270 (cited by Athena Diagnostics and Quest Diagnostics Nichols Institute San Juan Capistrano); PubMed 21198393 (cited by 3 submitters); PubMed 18655532 (cited by Athena Diagnostics and Quest Diagnostics Nichols Institute San Juan Capistrano); PubMed 29266270 (cited by 3 submitters); PubMed 28644547 (cited by Athena Diagnostics and Labcorp Genetics (formerly Invitae), Labcorp); PubMed 37699373 (cited by Athena Diagnostics); PubMed 35714169 (cited by Athena Diagnostics); PubMed 33864926 (cited by Athena Diagnostics); PubMed 39810276 (cited by Athena Diagnostics); PubMed 11600539 (cited by Labcorp Genetics (formerly Invitae), Labcorp); PubMed 30995443 (cited by Labcorp Genetics (formerly Invitae), Labcorp).

NM_000500.9(CYP21A2):c.1279C>T (p.Arg427Cys)

Genes: CYP21A2 (cytochrome P450 family 21 subfamily A member 2; plus strand), LOC106780800 (CYP21A2 recombination region; plus strand). Cytogenetic location: 6p21.33.
Variant type: single nucleotide variant.
Coding change: c.1279C>T on transcript NM_000500.9 (MANE Select); coding-DNA position 1279, C replaced by T.
Protein change: p.Arg427Cys; replaces arginine 427 with cysteine.
Molecular consequence: missense variant.
Genome position (GRCh38, 1-based): chr6:32,040,925, C>T. VCF-style: chr6-32040925-C-T. GRCh37 (hg19) VCF-style: chr6-32008702-C-T.
Other names: c.1189C>T, p.Arg397Cys (NM_001128590.4); c.874C>T, p.Arg292Cys (NM_001368143.2, NM_001368144.2); short protein forms R427C, R292C, R397C.
Identifiers: ClinVar variation 585748 (VCV000585748.7), dbSNP rs1370167869, ClinGen allele CA363511962.